The following is an entry in ClinVar:

NM_000102.4(CYP17A1):c.802C>T (p.Gln268Ter)

Genes: CYP17A1 (cytochrome P450 family 17 subfamily A member 1; minus strand), CYP17A1-AS1 (CYP17A1 antisense RNA 1; plus strand). Cytogenetic location: 10q24.32.
Variant type: single nucleotide variant.
Coding change: c.802C>T on transcript NM_000102.4 (MANE Select); coding-DNA position 802, C replaced by T.
Protein change: p.Gln268Ter; replaces glutamine 268 with a stop codon.
Molecular consequence: nonsense.
Genome position (GRCh38, 1-based): chr10:102,833,160, G>A on the plus strand (C>T on the coding strand, the complement: CYP17A1 is on the minus strand). VCF-style: chr10-102833160-G-A. GRCh37 (hg19) VCF-style: chr10-104592917-G-A.
Other names: short protein forms Q268*.
Identifiers: ClinVar variation 1071625 (VCV001071625.8), dbSNP rs2134082781, ClinGen allele CA377939393.
Genomic context (GRCh38, chr10:102,833,160, plus strand): 5'-AAAGCAGCTCTGAGTCTTGATCTGGGCCAGCATTGCCATTATCTGAGTTCATCTTGGCTT[G>A]CATCAGTGTGTCCAGCATGTTGGTGATAGAGTCACTCCGGAATTTCTCCTGGGTTGGGTG-3'

ClinVar aggregate classification (germline): Pathogenic (1 of 4 stars; one submission).

Submission:

Labcorp Genetics (formerly Invitae), Labcorp
Classification: Pathogenic. Last evaluated: 2023-08-21. Review status: criteria provided, single submitter. Criteria: Invitae Variant Classification Sherloc (09022015). Collection method: clinical testing. Allele origin: germline.
Comment: For these reasons, this variant has been classified as Pathogenic. ClinVar contains an entry for this variant (Variation ID: 1071625). This variant has not been reported in the literature in individuals affected with CYP17A1-related conditions. This variant is not present in population databases (gnomAD no frequency). This sequence change creates a premature translational stop signal (p.Gln268*) in the CYP17A1 gene. It is expected to result in an absent or disrupted protein product. Loss-of-function variants in CYP17A1 are known to be pathogenic (PMID: 10720067, 14747197, 17192295, 20197673, 24140098).

Literature cited by the submitters: PubMed 10720067; PubMed 14747197; PubMed 17192295; PubMed 20197673; PubMed 24140098.